The following is an entry in ClinVar:

NM_017780.4(CHD7):c.305A>G (p.His102Arg)

Gene: CHD7 (chromodomain helicase DNA binding protein 7; plus strand). Cytogenetic location: 8q12.2.
Variant type: single nucleotide variant.
Coding change: c.305A>G on transcript NM_017780.4 (MANE Select); coding-DNA position 305, A replaced by G.
Protein change: p.His102Arg; replaces histidine 102 with arginine.
Molecular consequence: missense variant.
Genome position (GRCh38, 1-based): chr8:60,741,737, A>G. VCF-style: chr8-60741737-A-G. GRCh37 (hg19) VCF-style: chr8-61654296-A-G.
Other names: c.305A>G, p.His102Arg (NM_001316690.1); short protein forms H102R.
Identifiers: ClinVar variation 2130224 (VCV002130224.4), dbSNP rs2487261432, ClinGen allele CA371297064.

ClinVar aggregate classification (germline): Uncertain significance (1 of 4 stars; one submission).

Conditions:
CHARGE syndrome (CHARGE). Also called: Hittner Hirsch Kreh syndrome; CHARGE ASSOCIATION--COLOBOMA, HEART ANOMALY, CHOANAL ATRESIA, RETARDATION, GENITAL AND EAR ANOMALIES; Coloboma, heart anomaly, choanal atresia, retardation, genital and ear anomalies; CHARGE association; Hall-Hittner syndrome. Identifiers: Orphanet 138, MedGen C0265354, MONDO:0008965.

Allele frequency attached by ClinVar (database versions not stated): gnomAD exomes below 0.00001.

Submission:

Labcorp Genetics (formerly Invitae), Labcorp
Classification: Uncertain significance for CHARGE syndrome. Last evaluated: 2025-06-19. Review status: criteria provided, single submitter. Criteria: Invitae Variant Classification Sherloc (09022015). Collection method: clinical testing. Allele origin: germline.
Comment: This sequence change replaces histidine, which is basic and polar, with arginine, which is basic and polar, at codon 102 of the CHD7 protein (p.His102Arg). This variant is not present in population databases (gnomAD no frequency). This variant has not been reported in the literature in individuals affected with CHD7-related conditions. ClinVar contains an entry for this variant (Variation ID: 2130224). Invitae Evidence Modeling of protein sequence and biophysical properties (such as structural, functional, and spatial information, amino acid conservation, physicochemical variation, residue mobility, and thermodynamic stability) indicates that this missense variant is not expected to disrupt CHD7 protein function with a negative predictive value of 95%. In summary, the available evidence is currently insufficient to determine the role of this variant in disease. Therefore, it has been classified as a Variant of Uncertain Significance.